The following is an entry in ClinVar:

ClinVar aggregate classification (germline): Pathogenic (1 of 4 stars; one submission).

Submission:

Labcorp Genetics (formerly Invitae), Labcorp
Classification: Pathogenic. Last evaluated: 2023-10-04. Review status: criteria provided, single submitter. Criteria: Invitae Variant Classification Sherloc (09022015). Collection method: clinical testing. Allele origin: germline.
Comment: This sequence change creates a premature translational stop signal (p.Lys1061Serfs*26) in the LOXHD1 gene. It is expected to result in an absent or disrupted protein product. Loss-of-function variants in LOXHD1 are known to be pathogenic (PMID: 19732867, 21465660, 25792669). This variant is not present in population databases (gnomAD no frequency). This variant has not been reported in the literature in individuals affected with LOXHD1-related conditions. For these reasons, this variant has been classified as Pathogenic.

Literature cited by the submitters: PubMed 19732867; PubMed 21465660; PubMed 25792669.

NM_001384474.1(LOXHD1):c.3182del (p.Lys1061fs)

Gene: LOXHD1 (lipoxygenase homology PLAT domains 1; minus strand). Cytogenetic location: 18q21.1.
Variant type: Deletion.
Coding change: c.3182del on transcript NM_001384474.1 (MANE Select); coding-DNA position 3182, one base deleted (A; older notation c.3182delA).
Protein change: p.Lys1061fs; shifts the reading frame from lysine 1061.
Molecular consequence: frameshift variant.
Genome position (GRCh38, 1-based): chr18:46,559,482, T deleted on the plus strand (A on the coding strand, the reverse complement: LOXHD1 is on the minus strand); the first of 2 consecutive T bases (chr18:46,559,482-46,559,483); deleting either gives the same sequence. VCF-style (leftmost placement, unchanged base first): chr18-46559481-CT-C. GRCh37 (hg19) VCF-style: chr18-44139444-CT-C.
Other names: c.3182del, p.Lys1061fs (NM_144612.7); short protein forms K1061fs.
Identifiers: ClinVar variation 2965896 (VCV002965896.3), dbSNP rs2511826553, ClinGen allele CA2740091799.